The following is an entry in ClinVar:

ClinVar aggregate classification (germline): Uncertain significance (1 of 4 stars; one submission).

Allele frequency attached by ClinVar (database versions not stated): gnomAD exomes below 0.00001; TOPMed below 0.00001.
gnomAD v4.1: 3 of 1,602,702 alleles (0.00019%); highest among the groups gnomAD compares: East Asian, 0.0022%; no homozygotes.

Submission:

Labcorp Genetics (formerly Invitae), Labcorp
Classification: Uncertain significance. Last evaluated: 2022-03-20. Review status: criteria provided, single submitter. Criteria: Invitae Variant Classification Sherloc (09022015). Collection method: clinical testing. Allele origin: germline.
Comment: In summary, the available evidence is currently insufficient to determine the role of this variant in disease. Therefore, it has been classified as a Variant of Uncertain Significance. Variants that disrupt the consensus splice site are a relatively common cause of aberrant splicing (PMID: 17576681, 9536098). Algorithms developed to predict the effect of sequence changes on RNA splicing suggest that this variant is not likely to affect RNA splicing. This variant has not been reported in the literature in individuals affected with VPS13C-related conditions. This variant is not present in population databases (gnomAD no frequency). This sequence change falls in intron 32 of the VPS13C gene. It does not directly change the encoded amino acid sequence of the VPS13C protein. It affects a nucleotide within the consensus splice site.

Literature cited by the submitters: PubMed 17576681; PubMed 9536098.

NM_020821.3(VPS13C):c.3331+3A>G

Gene: VPS13C (vacuolar protein sorting 13 homolog C; minus strand). Cytogenetic location: 15q22.2.
Variant type: single nucleotide variant.
Coding change: c.3331+3A>G on transcript NM_020821.3 (MANE Select); 3 bases into the intron after coding-DNA position 3331, A replaced by G.
Molecular consequence: intron variant.
Genome position (GRCh38, 1-based): chr15:61,963,832, T>C on the plus strand (A>G on the coding strand, the complement: VPS13C is on the minus strand). VCF-style: chr15-61963832-T-C. GRCh37 (hg19) VCF-style: chr15-62256031-T-C.
Other names: c.3202+3A>G (NM_017684.5, NM_018080.4); c.3331+3A>G (NM_001018088.3).
Identifiers: ClinVar variation 2014591 (VCV002014591.2), dbSNP rs918692581, ClinGen allele CA271929913.
Genomic context (GRCh38, chr15:61,963,832, plus strand): 5'-AAGAGACAAAAAGAAGGAAAAGTTTATCTTTTCGCCAATTTTCAATGCCGTGTGAACTTT[T>C]ACCTTGAATCTTGATTTCGGCGATATTGTTCTTTTCGTTGCAAACAATGACACAGAAAGC-3'